The following is an entry in ClinVar:

NM_003001.5(SDHC):c.451T>C (p.Ser151Pro)

Gene: SDHC (succinate dehydrogenase complex subunit C; plus strand). Cytogenetic location: 1q23.3.
Variant type: single nucleotide variant.
Coding change: c.451T>C on transcript NM_003001.5 (MANE Select); coding-DNA position 451, T replaced by C.
Protein change: p.Ser151Pro; replaces serine 151 with proline.
Molecular consequence: missense variant.
Genome position (GRCh38, 1-based): chr1:161,362,374, T>C. VCF-style: chr1-161362374-T-C. GRCh37 (hg19) VCF-style: chr1-161332164-T-C.
Other names: c.287T>C, p.Val96Ala (NM_001035511.3); c.349T>C, p.Ser117Pro (NM_001035512.3); c.292T>C, p.Ser98Pro (NM_001035513.3); c.185T>C, p.Val62Ala (NM_001278172.3); c.571T>C, p.Ser191Pro (NM_001407115.1); c.394T>C, p.Ser132Pro (NM_001407116.1); c.388T>C, p.Ser130Pro (NM_001407117.1); c.343T>C, p.Ser115Pro (NM_001407118.1); and 2 more; short protein forms S151P, S98P, V62A, V96A, S117P, S132P, S114P, S115P.
Identifiers: ClinVar variation 571904 (VCV000571904.10), dbSNP rs1558185927, ClinGen allele CA343457756.
Genomic context (GRCh38, chr1:161,362,374, plus strand): 5'-TTGCTTTGTCCACAGATGTGGGACCTAGGAAAAGGCCTGAAGATTCCCCAGCTATACCAG[T>C]CTGGAGTGGTTGTCCTGGTTCTTACTGTGTTGTCCTCTATGGGGCTGGCAGCCATGTGAA-3'
Protein context (NP_002992.1, residues 141-161): KGLKIPQLYQ[Ser151Pro]GVVVLVLTVL

ClinVar aggregate classification (germline): Uncertain significance. Review status: criteria provided, multiple submitters, no conflicts (2 of 4 stars). 2 submissions from 2 submitters: Uncertain significance (2). Last evaluated 2026-04-24.

Conditions:
Hereditary cancer-predisposing syndrome. Also called: Hereditary neoplastic syndrome; Neoplastic Syndromes, Hereditary; Hereditary Cancer Syndrome; Tumor predisposition. Identifiers: Orphanet 140162, MedGen C0027672, MeSH D009386, MONDO:0015356.
Pheochromocytoma/paraganglioma syndrome 3. Also called: GLOMUS TUMORS, FAMILIAL, 3; SDHC-Related Hereditary Paraganglioma-Pheochromocytoma Syndrome; Paragangliomas 3; SDHC-Related Hereditary Paraganglioma-Pheochromocytoma Syndrome (Paragangliomas 3). Identifiers: Orphanet 29072, MedGen C1854336, MONDO:0011544, OMIM 605373.
Gastrointestinal stromal tumor. Also called: Gastrointestinal stromal tumor, somatic; Gastrointestinal stroma tumor. Identifiers: Orphanet 44890, MedGen C0238198, MeSH D046152, MONDO:0011719, OMIM 606764, HP:0100723.

Submissions (2):

Ambry Genetics
Classification: Uncertain significance for Hereditary cancer-predisposing syndrome. Last evaluated: 2026-04-24. Review status: criteria provided, single submitter. Criteria: Ambry Variant Classification Scheme 2023. Collection method: clinical testing. Allele origin: germline.
Comment: The p.S151P variant (also known as c.451T>C), located in coding exon 6 of the SDHC gene, results from a T to C substitution at nucleotide position 451. The serine at codon 151 is replaced by proline, an amino acid with similar properties. This amino acid position is highly conserved in available vertebrate species. In addition, this alteration is predicted to be deleterious by in silico analysis. Based on the available evidence, the clinical significance of this variant remains unclear.

Labcorp Genetics (formerly Invitae), Labcorp
Classification: Uncertain significance for Pheochromocytoma/paraganglioma syndrome 3; Gastrointestinal stromal tumor. Last evaluated: 2025-03-07. Review status: criteria provided, single submitter. Criteria: Invitae Variant Classification Sherloc (09022015). Collection method: clinical testing. Allele origin: germline.
Comment: This sequence change replaces serine, which is neutral and polar, with proline, which is neutral and non-polar, at codon 151 of the SDHC protein (p.Ser151Pro). This variant is not present in population databases (gnomAD no frequency). This variant has not been reported in the literature in individuals affected with SDHC-related conditions. ClinVar contains an entry for this variant (Variation ID: 571904). An algorithm developed to predict the effect of missense changes on protein structure and function (PolyPhen-2) suggests that this variant is likely to be disruptive. In summary, the available evidence is currently insufficient to determine the role of this variant in disease. Therefore, it has been classified as a Variant of Uncertain Significance.